The following is an entry in ClinVar:

NM_001267550.2(TTN):c.33581-2A>G

Gene: TTN (titin; minus strand). Cytogenetic location: 2q31.2.
Variant type: single nucleotide variant.
Coding change: c.33581-2A>G on transcript NM_001267550.2 (MANE Select); the canonical splice acceptor site of the intron before coding-DNA position 33581, A replaced by G.
Molecular consequence: splice acceptor variant. On other transcripts: intron variant (3).
Genome position (GRCh38, 1-based): chr2:178,679,684, T>C on the plus strand (A>G on the coding strand, the complement: TTN is on the minus strand). VCF-style: chr2-178679684-T-C. GRCh37 (hg19) VCF-style: chr2-179544411-T-C.
Other names: c.13283-37367A>G (NM_003319.4); c.13859-37367A>G (NM_133437.4); c.13658-37367A>G (NM_133432.3); c.29849-2A>G (NM_133378.4); c.32630-2A>G (NM_001256850.1).
Identifiers: ClinVar variation 4784173 (VCV004784173.1).
Genomic context (GRCh38, chr2:178,679,684, plus strand): 5'-CTTGGGAACAGGAACAGGTTTCTTCTCTTCTGGAACAGGTTTCCTGGGTACCTCAGGCAC[T>C]TTAAAGATATTATTAAGAATGTTGGAAATTTTGCAGGAAAGAAATAAAATGTGAAAAGCA-3'

ClinVar aggregate classification (germline): Likely pathogenic (1 of 4 stars; one submission).

Conditions:
Dilated cardiomyopathy 1G (CMD1G). Identifiers: Orphanet 154, MedGen C1858763, MONDO:0011400, OMIM 604145.
Autosomal recessive limb-girdle muscular dystrophy type 2J (LGMDR10). Also called: Limb-girdle muscular dystrophy, type 2J; MUSCULAR DYSTROPHY, LIMB-GIRDLE, AUTOSOMAL RECESSIVE 10. Identifiers: Orphanet 140922, MedGen C1837342, MONDO:0012127, OMIM 608807.

Submission:

Labcorp Genetics (formerly Invitae), Labcorp
Classification: Likely pathogenic for Dilated cardiomyopathy 1G; Autosomal recessive limb-girdle muscular dystrophy type 2J. Last evaluated: 2025-02-13. Review status: criteria provided, single submitter. Criteria: Invitae Variant Classification Sherloc (09022015). Collection method: clinical testing. Allele origin: germline.
Comment: This sequence change affects an acceptor splice site in intron 140 of the TTN gene. It is expected to disrupt RNA splicing and likely results in a truncated or disrupted TTN protein. This variant is not present in population databases (gnomAD no frequency). This variant has not been reported in the literature in individuals affected with TTN-related conditions. Algorithms developed to predict the effect of sequence changes on RNA splicing suggest that this variant may disrupt the consensus splice site. This variant is located in the I band of TTN (PMID: 25589632). Truncating variants in this region have been reported in individuals affected with autosomal recessive centronuclear myopathy (PMID: 23975875, internal data). Truncating variants in this region have also been identified in individuals affected with autosomal dominant dilated cardiomyopathy and/or cardio-related conditions (PMID: 27869827, 32964742, internal data). In summary, the currently available evidence indicates that the variant is pathogenic, but additional data are needed to prove that conclusively. Therefore, this variant has been classified as Likely Pathogenic.

Literature cited by the submitters: PubMed 25589632; PubMed 23975875; PubMed 27869827; PubMed 32964742.